The following is an entry in ClinVar:

ClinVar aggregate classification (germline): Uncertain significance (1 of 4 stars; one submission).

gnomAD v4.1: 2 of 1,206,367 alleles (0.00017%); highest among the groups gnomAD compares: Non-Finnish European, 0.00022%; no homozygotes.

Submission:

GeneDx
Classification: Uncertain significance. Last evaluated: 2024-01-31. Review status: criteria provided, single submitter. Criteria: GeneDx Variant Classification Process June 2021. Collection method: clinical testing. Allele origin: germline. Affected: yes.
Comment: In silico analysis supports that this missense variant has a deleterious effect on protein structure/function; Has not been previously published as pathogenic or benign to our knowledge

NM_001039591.3(USP9X):c.6104C>T (p.Pro2035Leu)

Gene: USP9X (ubiquitin specific peptidase 9 X-linked; plus strand). Cytogenetic location: Xp11.4.
Variant type: single nucleotide variant.
Coding change: c.6104C>T on transcript NM_001039591.3 (MANE Select); coding-DNA position 6104, C replaced by T.
Protein change: p.Pro2035Leu; replaces proline 2035 with leucine.
Molecular consequence: missense variant.
Genome position (GRCh38, 1-based): chrX:41,217,238, C>T. VCF-style: chrX-41217238-C-T. GRCh37 (hg19) VCF-style: chrX-41076491-C-T.
Other names: c.6104C>T, p.Pro2035Leu (NM_001039590.3); c.6119C>T, p.Pro2040Leu (NM_001410748.1, NM_001410749.1); short protein forms P2035L, P2040L.
Identifiers: ClinVar variation 3368599 (VCV003368599.1).